The following is an entry in ClinVar:

ClinVar aggregate classification (germline): Conflicting classifications of pathogenicity. Review status: criteria provided, conflicting classifications (1 of 4 stars). 4 submissions from 4 submitters: Uncertain significance (2); Likely benign (2). Last evaluated 2025-05-06.

Conditions:
RHO-related disorder. Also called: RHO-related condition.

Allele frequency attached by ClinVar (database versions not stated): ESP Exome Variant Server 0.00008; TOPMed 0.00004.
gnomAD v4.1: 180 of 1,613,788 alleles (0.011%); highest among the groups gnomAD compares: Non-Finnish European, 0.014%; no homozygotes.

Submissions (4):

PreventionGenetics, part of Exact Sciences
Classification: Likely benign for RHO-related condition. Last evaluated: 2025-05-06. Review status: criteria provided, single submitter. Criteria: ACMG Guidelines, 2015. Collection method: clinical testing. Allele origin: germline.
Comment: This variant is classified as likely benign based on ACMG/AMP sequence variant interpretation guidelines (Richards et al. 2015 PMID: 25741868, with internal and published modifications).

Labcorp Genetics (formerly Invitae), Labcorp
Classification: Uncertain significance. Last evaluated: 2025-03-26. Review status: criteria provided, single submitter. Criteria: Invitae Variant Classification Sherloc (09022015). Collection method: clinical testing. Allele origin: germline.
Comment: This sequence change falls in intron 3 of the RHO gene. It does not directly change the encoded amino acid sequence of the RHO protein. It affects a nucleotide within the consensus splice site. This variant is present in population databases (rs376802160, gnomAD 0.008%). This variant has not been reported in the literature in individuals affected with RHO-related conditions. ClinVar contains an entry for this variant (Variation ID: 1036924). Variants that disrupt the consensus splice site are a relatively common cause of aberrant splicing (PMID: 17576681, 9536098). Algorithms developed to predict the effect of sequence changes on RNA splicing suggest that this variant is not likely to affect RNA splicing. In summary, the available evidence is currently insufficient to determine the role of this variant in disease. Therefore, it has been classified as a Variant of Uncertain Significance.

Blueprint Genetics
Classification: Uncertain significance. Last evaluated: 2024-03-28. Review status: criteria provided, single submitter. Criteria: ACMG Guidelines, 2015. Collection method: clinical testing. Allele origin: germline.

GeneDx
Classification: Likely benign. Last evaluated: 2019-02-06. Review status: criteria provided, single submitter. Criteria: GeneDx Variant Classification Process June 2021. Collection method: clinical testing. Allele origin: germline. Affected: yes.

Literature cited by the submitters: PubMed 17576681 (cited by Labcorp Genetics (formerly Invitae), Labcorp); PubMed 9536098 (cited by Labcorp Genetics (formerly Invitae), Labcorp).

NM_000539.3(RHO):c.696+5G>A

Gene: RHO (rhodopsin; plus strand). Cytogenetic location: 3q22.1.
Variant type: single nucleotide variant.
Coding change: c.696+5G>A on transcript NM_000539.3 (MANE Select); 5 bases into the intron after coding-DNA position 696, G replaced by A.
Molecular consequence: intron variant.
Genome position (GRCh38, 1-based): chr3:129,532,421, G>A. VCF-style: chr3-129532421-G-A. GRCh37 (hg19) VCF-style: chr3-129251264-G-A.
Identifiers: ClinVar variation 1036924 (VCV001036924.13), dbSNP rs376802160, ClinGen allele CA2607245.
Genomic context (GRCh38, chr3:129,532,421, plus strand): 5'-TCCCCATGATTATCATCTTTTTCTGCTATGGGCAGCTCGTCTTCACCGTCAAGGAGGTAC[G>A]GGCCGGGGGGTGGGCGGCCTCACGGCTCTGAGGGTCCAGCCCCCAGCATGCATCTGCGGC-3'